The following is an entry in ClinVar:

NM_133433.4(NIPBL):c.4539AGA[2] (p.Glu1515del)

Gene: NIPBL (NIPBL cohesin loading factor; plus strand). Cytogenetic location: 5p13.2.
Variant type: Microsatellite.
Coding change: c.4539AGA[2] on transcript NM_133433.4 (MANE Select); two copies in a row of the 3-base unit AGA starting at c.4539; the reference has three copies in a row; one copy, 3 bases deleted.
Protein change: p.Glu1515del; deletes glutamic acid 1515.
Molecular consequence: inframe deletion.
Genome position (GRCh38, 1-based): chr5:37,010,210-37,010,212, AGA deleted; deleting any 3 consecutive bases within chr5:37,010,204-37,010,212 gives the same sequence; the position shown is the placement nearest the transcript's 3' end. VCF-style (leftmost placement, unchanged base first): chr5-37010203-CAGA-C. GRCh37 (hg19) VCF-style: chr5-37010305-CAGA-C.
Other names: c.4539AGA[2], p.Glu1515del (NM_015384.5); short protein forms E1515del.
Identifiers: ClinVar variation 2739715 (VCV002739715.3), dbSNP rs1747946877, ClinGen allele CA915940294.

ClinVar aggregate classification (germline): Uncertain significance (1 of 4 stars; one submission).

Conditions:
Cornelia de Lange syndrome 1 (CDLS1). Also called: NIPBL-Related Cornelia de Lange Syndrome; TYPUS DEGENERATIVUS AMSTELODAMENSIS; Brachmann de Lange syndrome. Identifiers: Orphanet 199, MedGen C4551851, MONDO:0007387, OMIM 122470.

Submission:

Labcorp Genetics (formerly Invitae), Labcorp
Classification: Uncertain significance for Cornelia de Lange syndrome 1. Last evaluated: 2023-06-05. Review status: criteria provided, single submitter. Criteria: Invitae Variant Classification Sherloc (09022015). Collection method: clinical testing. Allele origin: germline.
Comment: In summary, the available evidence is currently insufficient to determine the role of this variant in disease. Therefore, it has been classified as a Variant of Uncertain Significance. Experimental studies and prediction algorithms are not available or were not evaluated, and the functional significance of this variant is currently unknown. This variant has not been reported in the literature in individuals affected with NIPBL-related conditions. This variant is not present in population databases (gnomAD no frequency). This variant, c.4545_4547del, results in the deletion of 1 amino acid(s) of the NIPBL protein (p.Glu1515del), but otherwise preserves the integrity of the reading frame.